The following is an entry in ClinVar:

NM_031885.5(BBS2):c.1783_1784insTAAGAGACAGT (p.Lys595fs)

Gene: BBS2 (Bardet-Biedl syndrome 2; minus strand). Cytogenetic location: 16q13.
Variant type: Insertion.
Coding change: c.1783_1784insTAAGAGACAGT on transcript NM_031885.5 (MANE Select); coding-DNA positions 1783 to 1784, TAAGAGACAGT inserted.
Protein change: p.Lys595fs; shifts the reading frame from lysine 595.
Molecular consequence: frameshift variant. On other transcripts: non-coding transcript variant (5).
Genome position: GRCh38 VCF-style: chr16-56497756-T-TACTGTCTCTTA. GRCh37 (hg19) VCF-style: chr16-56531668-T-TACTGTCTCTTA.
Other names: c.1783_1784insTAAGAGACAGT, p.Lys595fs (NM_001377456.1); short protein forms K595fs.
Identifiers: ClinVar variation 5011396 (VCV005011396.1).

ClinVar aggregate classification (germline): Pathogenic (1 of 4 stars; one submission).

Conditions:
BBS2-related ciliopathy. Identifiers: MedGen CN378634, MONDO:1040048.

Submission:

Myriad Genetics, Inc.
Classification: Pathogenic for BBS2-related ciliopathy. Last evaluated: 2023-08-19. Review status: criteria provided, single submitter. Criteria: Myriad Autosomal Dominant, Autosomal Recessive and X-Linked Classification Criteria (2023). Collection method: clinical testing. Allele origin: unknown.
Comment: NM_031885.3(BBS2):c.1783_1784ins11(K595Ifs*7) is expected to be pathogenic in the context of Bardet-Biedl syndrome, BBS2-related. This variant is predicted to lead to an abnormal or absent protein product due to the creation of a premature termination codon in BBS2, a gene where loss-of-function variants are known to be pathogenic. Please note: this variant was assessed in the context of healthy population screening.